The following is an entry in ClinVar:

NM_003970.4(MYOM2):c.1617G>C (p.Lys539Asn)

Gene: MYOM2 (myomesin 2; plus strand). Cytogenetic location: 8p23.3.
Variant type: single nucleotide variant.
Coding change: c.1617G>C on transcript NM_003970.4 (MANE Select); coding-DNA position 1617, G replaced by C.
Protein change: p.Lys539Asn; replaces lysine 539 with asparagine.
Molecular consequence: missense variant.
Genome position (GRCh38, 1-based): chr8:2,085,363, G>C. VCF-style: chr8-2085363-G-C. GRCh37 (hg19) VCF-style: chr8-2033495-G-C.
Other names: short protein forms K539N.
Identifiers: ClinVar variation 3050437 (VCV003050437.2), dbSNP rs137923713, ClinGen allele CA170453003.

ClinVar aggregate classification (germline): Likely benign (0 of 4 stars; one submission).

Conditions:
MYOM2-related disorder. Also called: MYOM2-related condition.

Allele frequency attached by ClinVar (database versions not stated): 1000 Genomes Project 0.00180; 1000 Genomes Project 30x 0.00219; ESP Exome Variant Server 0.00223; gnomAD 0.00241; ExAC 0.00278; gnomAD exomes 0.00292.
gnomAD v4.1: 4,669 of 1,614,066 alleles (0.29%); highest among the groups gnomAD compares: Middle Eastern, 1.3%; 18 homozygotes.

Submission:

PreventionGenetics, part of Exact Sciences
Classification: Likely benign for MYOM2-related condition. Last evaluated: 2022-06-22. Review status: no assertion criteria provided. Collection method: clinical testing. Allele origin: germline.
Comment: This variant is classified as likely benign based on ACMG/AMP sequence variant interpretation guidelines (Richards et al. 2015 PMID: 25741868, with internal and published modifications).